The following is an entry in ClinVar:

ClinVar aggregate classification (germline): Uncertain significance (1 of 4 stars; one submission).

Allele frequency attached by ClinVar (database versions not stated): gnomAD exomes below 0.00001; TOPMed below 0.00001; ExAC 0.00001; gnomAD 0.00001.
gnomAD v4.1: 3 of 1,612,700 alleles (0.00019%); highest among the groups gnomAD compares: Non-Finnish European, 0.00025%; no homozygotes.

Submission:

GeneDx
Classification: Uncertain significance. Last evaluated: 2020-01-07. Review status: criteria provided, single submitter. Criteria: GeneDx Variant Classification Process June 2021. Collection method: clinical testing. Allele origin: germline. Affected: yes.
Comment: Not observed at a significant frequency in large population cohorts (Lek et al., 2016); In silico analysis, which includes protein predictors and evolutionary conservation, supports that this variant does not alter protein structure/function; Has not been previously published as pathogenic or benign to our knowledge

NM_152515.5(CKAP2L):c.1333A>G (p.Thr445Ala)

Gene: CKAP2L (cytoskeleton associated protein 2 like; minus strand). Cytogenetic location: 2q14.1.
Variant type: single nucleotide variant.
Coding change: c.1333A>G on transcript NM_152515.5 (MANE Select); coding-DNA position 1333, A replaced by G.
Protein change: p.Thr445Ala; replaces threonine 445 with alanine.
Molecular consequence: missense variant. On other transcripts: non-coding transcript variant (1).
Genome position (GRCh38, 1-based): chr2:112,756,038, T>C on the plus strand (A>G on the coding strand, the complement: CKAP2L is on the minus strand). VCF-style: chr2-112756038-T-C. GRCh37 (hg19) VCF-style: chr2-113513615-T-C.
Other names: c.838A>G, p.Thr280Ala (NM_001304361.2); short protein forms T280A, T445A.
Identifiers: ClinVar variation 1310399 (VCV001310399.2), dbSNP rs762202417, ClinGen allele CA1836681.